The following is an entry in ClinVar:

NM_005629.4(SLC6A8):c.896A>C (p.Lys299Thr)

Gene: SLC6A8 (solute carrier family 6 member 8; plus strand). Cytogenetic location: Xq28.
Variant type: single nucleotide variant.
Coding change: c.896A>C on transcript NM_005629.4 (MANE Select); coding-DNA position 896, A replaced by C.
Protein change: p.Lys299Thr; replaces lysine 299 with threonine.
Molecular consequence: missense variant.
Genome position (GRCh38, 1-based): chrX:153,693,159, A>C. VCF-style: chrX-153693159-A-C. GRCh37 (hg19) VCF-style: chrX-152958614-A-C.
Other names: c.896A>C, p.Lys299Thr (NM_001142805.2); c.551A>C, p.Lys184Thr (NM_001142806.1); short protein forms K184T, K299T.
Identifiers: ClinVar variation 1303577 (VCV001303577.3), dbSNP rs782767368, ClinGen allele CA10549340.

ClinVar aggregate classification (germline): Uncertain significance. Review status: criteria provided, multiple submitters, no conflicts (2 of 4 stars). 2 submissions from 2 submitters: Uncertain significance (2). Last evaluated 2022-04-19.

Conditions:
Creatine transporter deficiency (CCDS1). Also called: Creatine Transporter (CRTR) Deficiency; Mental retardation , X-linked with seizures, short stature and midface hypoplasia; Mental retardation , X-linked, with creatine transport deficiency; X-linked creatine transporter deficiency; X-linked creatine deficiency syndrome; CEREBRAL CREATINE DEFICIENCY SYNDROME 1. Identifiers: Orphanet 52503, MedGen C1845862, MONDO:0010305, OMIM 300352.

Allele frequency attached by ClinVar (database versions not stated): ExAC 0.00001; gnomAD 0.00001; gnomAD exomes 0.00001 and 0.00002.

Submissions (2):

Labcorp Genetics (formerly Invitae), Labcorp
Classification: Uncertain significance for Creatine transporter deficiency. Last evaluated: 2022-04-19. Review status: criteria provided, single submitter. Criteria: Invitae Variant Classification Sherloc (09022015). Collection method: clinical testing. Allele origin: germline.
Comment: This sequence change replaces lysine, which is basic and polar, with threonine, which is neutral and polar, at codon 299 of the SLC6A8 protein (p.Lys299Thr). This variant is present in population databases (rs782767368, gnomAD 0.005%). This variant has not been reported in the literature in individuals affected with SLC6A8-related conditions. ClinVar contains an entry for this variant (Variation ID: 1303577). Algorithms developed to predict the effect of missense changes on protein structure and function are either unavailable or do not agree on the potential impact of this missense change (SIFT: "Deleterious"; PolyPhen-2: "Probably Damaging"; Align-GVGD: "Class C0"). In summary, the available evidence is currently insufficient to determine the role of this variant in disease. Therefore, it has been classified as a Variant of Uncertain Significance.

GeneDx
Classification: Uncertain significance. Last evaluated: 2019-06-10. Review status: criteria provided, single submitter. Criteria: GeneDx Variant Classification Process June 2021. Collection method: clinical testing. Allele origin: germline. Affected: yes.
Comment: In silico analysis, which includes protein predictors and evolutionary conservation, supports a deleterious effect; Has not been previously published as pathogenic or benign to our knowledge